The following is an entry in ClinVar:

NM_001267550.2(TTN):c.43704A>G (p.Val14568=)

Gene: TTN (titin; minus strand). Cytogenetic location: 2q31.2.
Variant type: single nucleotide variant.
Coding change: c.43704A>G on transcript NM_001267550.2 (MANE Select); coding-DNA position 43704, A replaced by G.
Protein change: p.Val14568=; no amino-acid change (valine 14568 retained).
Molecular consequence: synonymous variant.
Genome position (GRCh38, 1-based): chr2:178,632,190, T>C on the plus strand (A>G on the coding strand, the complement: TTN is on the minus strand). VCF-style: chr2-178632190-T-C. GRCh37 (hg19) VCF-style: chr2-179496917-T-C.
Other names: c.38781A>G, p.Val12927= (NM_001256850.1); c.16509A>G, p.Val5503= (NM_003319.4); c.36000A>G, p.Val12000= (NM_133378.4); c.16884A>G, p.Val5628= (NM_133432.3); c.17085A>G, p.Val5695= (NM_133437.4).
Identifiers: ClinVar variation 378820 (VCV000378820.14), dbSNP rs368783829, ClinGen allele CA1995815.

ClinVar aggregate classification (germline): Benign/Likely benign. Review status: criteria provided, multiple submitters, no conflicts (2 of 4 stars). 9 submissions from 6 submitters: Benign (5); Likely benign (4). Last evaluated 2025-12-31.

Conditions:
Cardiomyopathy (CMYO). Also called: Cardiomyopathies. Identifiers: Orphanet 167848, MedGen C0878544, MONDO:0004994, HP:0001638. Inheritance: Various modes of inheritance.
Autosomal recessive limb-girdle muscular dystrophy type 2J (LGMDR10). Also called: MUSCULAR DYSTROPHY, LIMB-GIRDLE, AUTOSOMAL RECESSIVE 10; Limb-girdle muscular dystrophy, type 2J. Identifiers: Orphanet 140922, MedGen C1837342, MONDO:0012127, OMIM 608807.
Tibial muscular dystrophy (TMD). Also called: UDD MYOPATHY; Tibial muscular dystrophy, tardive; Udd Distal Myopathy – Tibial Muscular Dystrophy. Identifiers: Orphanet 609, MedGen C1838244, MONDO:0010870, OMIM 600334.
Cardiovascular phenotype. Identifiers: MedGen CN230736.
Dilated cardiomyopathy 1G (CMD1G). Identifiers: Orphanet 154, MedGen C1858763, MONDO:0011400, OMIM 604145.
Early-onset myopathy with fatal cardiomyopathy (CMYO5). Also called: CONGENITAL MYOPATHY 5 WITH CARDIOMYOPATHY; Salih Myopathy. Identifiers: Orphanet 289377, MedGen C2673677, MONDO:0012714, OMIM 611705. Disease mechanism: loss of function.
Myopathy, myofibrillar, 9, with early respiratory failure (MFM9). Also called: EDSTROM MYOPATHY; Myopathy, distal, with early respiratory failure, autosomal dominant; Hereditary myopathy with early respiratory failure; MYOPATHY, PROXIMAL, WITH EARLY RESPIRATORY MUSCLE INVOLVEMENT. Identifiers: Orphanet 178464, Orphanet 34521, MedGen C1863599, MONDO:0011362, OMIM 603689.

Allele frequency attached by ClinVar (database versions not stated): gnomAD 0.00001; gnomAD exomes 0.00004 and 0.00006; TOPMed 0.00006; ESP Exome Variant Server 0.00008; ExAC 0.00013.
gnomAD v4.1: 59 of 1,608,834 alleles (0.0037%); highest among the groups gnomAD compares: Non-Finnish European, 0.0045%; no homozygotes.

Submissions (9):

Labcorp Genetics (formerly Invitae), Labcorp
Classification: Likely benign for Dilated cardiomyopathy 1G; Autosomal recessive limb-girdle muscular dystrophy type 2J. Last evaluated: 2025-12-31. Review status: criteria provided, single submitter. Criteria: Invitae Variant Classification Sherloc (09022015). Collection method: clinical testing. Allele origin: germline.

Ambry Genetics
Classification: Likely benign for Cardiovascular phenotype. Last evaluated: 2024-10-21. Review status: criteria provided, single submitter. Criteria: Ambry Variant Classification Scheme 2023. Collection method: clinical testing. Allele origin: germline.

Blueprint Genetics
Classification: Likely benign. Last evaluated: 2022-09-15. Review status: criteria provided, single submitter. Criteria: ACMG Guidelines, 2015. Collection method: clinical testing. Allele origin: germline.

CHEO Genetics Diagnostic Laboratory, Children's Hospital of Eastern Ontario
Classification: Likely benign for Cardiomyopathy. Last evaluated: 2022-04-05. Review status: criteria provided, single submitter. Criteria: ACMG Guidelines, 2015. Collection method: clinical testing. Allele origin: germline.

Genome-Nilou Lab
Classification: Benign for Autosomal recessive limb-girdle muscular dystrophy type 2J. Last evaluated: 2021-09-10. Review status: criteria provided, single submitter. Criteria: ACMG Guidelines, 2015. Collection method: clinical testing. Allele origin: germline. Affected: no.

Genome-Nilou Lab
Classification: Benign for Myopathy, myofibrillar, 9, with early respiratory failure. Last evaluated: 2021-09-10. Review status: criteria provided, single submitter. Criteria: ACMG Guidelines, 2015. Collection method: clinical testing. Allele origin: germline. Affected: no.

Genome-Nilou Lab
Classification: Benign for Early-onset myopathy with fatal cardiomyopathy. Last evaluated: 2021-09-10. Review status: criteria provided, single submitter. Criteria: ACMG Guidelines, 2015. Collection method: clinical testing. Allele origin: germline. Affected: no.

Genome-Nilou Lab
Classification: Benign for Tibial muscular dystrophy. Last evaluated: 2021-09-10. Review status: criteria provided, single submitter. Criteria: ACMG Guidelines, 2015. Collection method: clinical testing. Allele origin: germline. Affected: no.

GeneDx
Classification: Benign. Last evaluated: 2015-12-16. Review status: criteria provided, single submitter. Criteria: GeneDx Variant Classification (06012015). Collection method: clinical testing. Allele origin: germline. Affected: yes.
Comment: This variant is considered likely benign or benign based on one or more of the following criteria: it is a conservative change, it occurs at a poorly conserved position in the protein, it is predicted to be benign by multiple in silico algorithms, and/or has population frequency not consistent with disease.